The following is an entry in ClinVar:

ClinVar aggregate classification (germline): Uncertain significance (1 of 4 stars; one submission).

Allele frequency attached by ClinVar (database versions not stated): ExAC 0.00002.
gnomAD v4.1: 4 of 1,601,320 alleles (0.00025%); highest among the groups gnomAD compares: South Asian, 0.0011%; no homozygotes.

Submission:

GeneDx
Classification: Uncertain significance. Last evaluated: 2023-01-10. Review status: criteria provided, single submitter. Criteria: GeneDx Variant Classification Process June 2021. Collection method: clinical testing. Allele origin: germline. Affected: yes.
Comment: Not observed at significant frequency in large population cohorts (gnomAD); In silico analysis supports that this missense variant has a deleterious effect on protein structure/function; Has not been previously published as pathogenic or benign to our knowledge

NM_001145809.2(MYH14):c.1868T>C (p.Met623Thr)

Gene: MYH14 (myosin heavy chain 14; plus strand). Cytogenetic location: 19q13.33.
Variant type: single nucleotide variant.
Coding change: c.1868T>C on transcript NM_001145809.2 (MANE Select); coding-DNA position 1868, T replaced by C.
Protein change: p.Met623Thr; replaces methionine 623 with threonine.
Molecular consequence: missense variant.
Genome position (GRCh38, 1-based): chr19:50,252,676, T>C. VCF-style: chr19-50252676-T-C. GRCh37 (hg19) VCF-style: chr19-50755933-T-C.
Other names: c.1868T>C, p.Met623Thr (NM_001077186.2); c.1844T>C, p.Met615Thr (NM_024729.4); short protein forms M615T, M623T.
Identifiers: ClinVar variation 2572704 (VCV002572704.1), dbSNP rs762536654, ClinGen allele CA9592740.
Genomic context (GRCh38, chr19:50,252,676, plus strand): 5'-CTCCTCTACCTGACTTCATTCAGGTCGACTACAAGGCCAACGAGTGGCTGATGAAAAACA[T>C]GGACCCTCTGAATGACAACGTCGCAGCCTTGCTCCACCAGAGCACAGACCGGCTGACGGC-3'
Protein context (NP_001139281.1, residues 613-633): YKANEWLMKN[Met623Thr]DPLNDNVAAL